The following is an entry in ClinVar:

ClinVar aggregate classification (germline): Uncertain significance. Review status: criteria provided, single submitter (1 of 4 stars). 2 submissions from 2 submitters: Uncertain significance (1). 1 of the submissions does not count toward it. Last evaluated 2022-08-22.

Conditions:
Citrullinemia type I (CTNL1). Also called: argininosuccinate synthetase deficiency; ASS DEFICIENCY. Identifiers: Orphanet 247525, MedGen C4721769, MONDO:0008988, OMIM 215700.
Citrullinemia. Identifiers: Orphanet 187, MedGen C0175683, MONDO:0015991.

Allele frequency attached by ClinVar (database versions not stated): gnomAD exomes below 0.00001; gnomAD 0.00001; TOPMed 0.00002.
gnomAD v4.1: 6 of 1,614,012 alleles (0.00037%); highest among the groups gnomAD compares: African/African-American, 0.004%; no homozygotes.

Submissions (2):

Labcorp Genetics (formerly Invitae), Labcorp
Classification: Uncertain significance for Citrullinemia. Last evaluated: 2022-08-22. Review status: criteria provided, single submitter. Criteria: Invitae Variant Classification Sherloc (09022015). Collection method: clinical testing. Allele origin: germline.
Comment: This sequence change replaces glycine, which is neutral and non-polar, with arginine, which is basic and polar, at codon 193 of the ASS1 protein (p.Gly193Arg). This variant is not present in population databases (gnomAD no frequency). This variant has not been reported in the literature in individuals affected with ASS1-related conditions. ClinVar contains an entry for this variant (Variation ID: 579438). Algorithms developed to predict the effect of missense changes on protein structure and function are either unavailable or do not agree on the potential impact of this missense change (SIFT: "Deleterious"; PolyPhen-2: "Probably Damaging"; Align-GVGD: "Class C15"). In summary, the available evidence is currently insufficient to determine the role of this variant in disease. Therefore, it has been classified as a Variant of Uncertain Significance.

Natera, Inc.
Classification: Uncertain significance for Citrullinemia type I. Last evaluated: 2021-01-13. Review status: no assertion criteria provided. Collection method: clinical testing. Allele origin: germline. Not counted in ClinVar's aggregate classification.

NM_054012.4(ASS1):c.577G>A (p.Gly193Arg)

Gene: ASS1 (argininosuccinate synthase 1; plus strand). Cytogenetic location: 9q34.11.
Variant type: single nucleotide variant.
Coding change: c.577G>A on transcript NM_054012.4 (MANE Select); coding-DNA position 577, G replaced by A.
Protein change: p.Gly193Arg; replaces glycine 193 with arginine.
Molecular consequence: missense variant.
Genome position (GRCh38, 1-based): chr9:130,471,495, G>A. VCF-style: chr9-130471495-G-A. GRCh37 (hg19) VCF-style: chr9-133346882-G-A.
Other names: c.577G>A, p.Gly193Arg (NM_000050.4); short protein forms G193R.
Identifiers: ClinVar variation 579438 (VCV000579438.11), dbSNP rs1311437424, ClinGen allele CA375227479.